The following is an entry in ClinVar:

NM_024649.5(BBS1):c.586C>G (p.Arg196Gly)

Gene: BBS1 (Bardet-Biedl syndrome 1; plus strand). Cytogenetic location: 11q13.2.
Variant type: single nucleotide variant.
Coding change: c.586C>G on transcript NM_024649.5 (MANE Select); coding-DNA position 586, C replaced by G.
Protein change: p.Arg196Gly; replaces arginine 196 with glycine.
Molecular consequence: missense variant.
Genome position (GRCh38, 1-based): chr11:66,515,928, C>G. VCF-style: chr11-66515928-C-G. GRCh37 (hg19) VCF-style: chr11-66283399-C-G.
Other names: short protein forms R196G.
Identifiers: ClinVar variation 5002337 (VCV005002337.1).

ClinVar aggregate classification (germline): Uncertain significance (1 of 4 stars; one submission).

Conditions:
BBS1-related disorder. Also called: BBS1-related condition.

gnomAD v4.1: 1 of 1,614,070 alleles (0.000062%); highest among the groups gnomAD compares: Non-Finnish European, 0.000085%; no homozygotes.

Submission:

PreventionGenetics, part of Exact Sciences
Classification: Uncertain significance for BBS1-related condition. Last evaluated: 2025-07-31. Review status: criteria provided, single submitter. Criteria: ACMG Guidelines, 2015. Collection method: clinical testing. Allele origin: germline.
Comment: The BBS1 c.586C>G variant is predicted to result in the amino acid substitution p.Arg196Gly. To our knowledge, this variant has not been reported in the literature or in a large population database (gnomAD), indicating this variant is rare. At this time, the clinical significance of this variant is uncertain due to the absence of conclusive functional and genetic evidence.